The following is an entry in ClinVar:

NM_002693.3(POLG):c.659+284G>C

Genes: POLG (DNA polymerase gamma, catalytic subunit; minus strand), POLGARF (POLG alternative reading frame; minus strand). Cytogenetic location: 15q26.1.
Variant type: single nucleotide variant.
Coding change: c.659+284G>C on transcript NM_002693.3 (MANE Select); 284 bases into the intron after coding-DNA position 659, G replaced by C.
Molecular consequence: intron variant.
Genome position (GRCh38, 1-based): chr15:89,332,812, C>G on the plus strand (G>C on the coding strand, the complement: POLG is on the minus strand). VCF-style: chr15-89332812-C-G. GRCh37 (hg19) VCF-style: chr15-89876043-C-G.
Other names: c.659+284G>C (NM_001126131.2).
Identifiers: ClinVar variation 680712 (VCV000680712.1), dbSNP rs2239286, ClinGen allele CA14110134.

ClinVar aggregate classification (germline): Benign (1 of 4 stars; one submission).

Allele frequency attached by ClinVar (database versions not stated): 1000 Genomes Project 0.45367; 1000 Genomes Project 30x 0.45909; gnomAD 0.47265 and 0.47975; TOPMed 0.47637.
gnomAD v4.1: 71,674 of 151,946 alleles (47%); highest among the groups gnomAD compares: African/African-American, 65%; 17,871 homozygotes.

Submission:

GeneDx
Classification: Benign. Last evaluated: 2018-06-14. Review status: criteria provided, single submitter. Criteria: GeneDx Variant Classification (06012015). Collection method: clinical testing. Allele origin: germline. Affected: yes.
Comment: This variant is considered likely benign or benign based on one or more of the following criteria: it is a conservative change, it occurs at a poorly conserved position in the protein, it is predicted to be benign by multiple in silico algorithms, and/or has population frequency not consistent with disease.